The following is an entry in ClinVar:

ClinVar aggregate classification (germline): Pathogenic (1 of 4 stars; one submission).

Conditions:
Ataxia-telangiectasia syndrome (AT). Also called: LOUIS-BAR SYNDROME; Cerebello-oculocutaneous telangiectasia; Immunodeficiency with ataxia telangiectasia; Ataxia telangiectasia (A-T); Ataxia-telangiectasia, complementation group D; AT, COMPLEMENTATION GROUP C. Identifiers: Orphanet 100, MedGen C0004135, MONDO:0008840, OMIM 208900.

Submission:

Labcorp Genetics (formerly Invitae), Labcorp
Classification: Pathogenic for Ataxia-telangiectasia syndrome. Last evaluated: 2022-12-31. Review status: criteria provided, single submitter. Criteria: Invitae Variant Classification Sherloc (09022015). Collection method: clinical testing. Allele origin: germline.
Comment: For these reasons, this variant has been classified as Pathogenic. This variant has not been reported in the literature in individuals affected with ATM-related conditions. This variant is not present in population databases (gnomAD no frequency). This sequence change creates a premature translational stop signal (p.Ser2611Valfs*20) in the ATM gene. It is expected to result in an absent or disrupted protein product. Loss-of-function variants in ATM are known to be pathogenic (PMID: 23807571, 25614872).

Literature cited by the submitters: PubMed 23807571; PubMed 25614872.

NM_000051.4(ATM):c.7831del (p.Ser2611fs)

Genes: ATM (ATM serine/threonine kinase; plus strand), C11orf65 (chromosome 11 open reading frame 65; minus strand). Cytogenetic location: 11q22.3.
Variant type: Deletion.
Coding change: c.7831del on transcript NM_000051.4 (MANE Select); coding-DNA position 7831, one base deleted (A; older notation c.7831delA).
Protein change: p.Ser2611fs; shifts the reading frame from serine 2611.
Molecular consequence: frameshift variant. On other transcripts: intron variant (2).
Genome position (GRCh38, 1-based): chr11:108,332,804, A deleted; the last of 2 consecutive A bases (chr11:108,332,803-108,332,804); deleting either gives the same sequence. VCF-style (leftmost placement, unchanged base first): chr11-108332802-GA-G. GRCh37 (hg19) VCF-style: chr11-108203529-GA-G.
Other names: c.7831del, p.Ser2611fs (NM_001351834.2); c.641-23732del (NM_001330368.2); c.*38+2417del (NM_001351110.2); short protein forms S2611fs.
Identifiers: ClinVar variation 2825622 (VCV002825622.3), dbSNP rs2547298721, ClinGen allele CA2739266015.